The following is an entry in ClinVar:

NM_006258.4(PRKG1):c.888T>C (p.Leu296=)

Gene: PRKG1 (protein kinase cGMP-dependent 1; plus strand). Cytogenetic location: 10q21.1.
Variant type: single nucleotide variant.
Coding change: c.888T>C on transcript NM_006258.4 (MANE Select); coding-DNA position 888, T replaced by C.
Protein change: p.Leu296=; no amino-acid change (leucine 296 retained).
Molecular consequence: synonymous variant.
Genome position (GRCh38, 1-based): chr10:52,062,584, T>C. VCF-style: chr10-52062584-T-C. GRCh37 (hg19) VCF-style: chr10-53822344-T-C.
Other names: p.Leu296=; c.888T>C, p.Leu296= (LRG_1135t1); c.843T>C, p.Leu281= (LRG_1135t2, NM_001098512.3).
Identifiers: ClinVar variation 263893 (VCV000263893.25), dbSNP rs113994747, ClinGen allele CA5503656.

ClinVar aggregate classification (germline): Benign. Review status: criteria provided, multiple submitters, no conflicts (2 of 4 stars). 10 submissions from 10 submitters: Benign (8). 2 of the submissions do not count toward it. Last evaluated 2026-02-04.

Conditions:
Aortic aneurysm, familial thoracic 8 (AAT8). Identifiers: MedGen C3809513, MONDO:0014187, OMIM 615436.
Familial thoracic aortic aneurysm and aortic dissection (TAAD). Also called: Thoracic aortic aneurysms and dissections. Identifiers: Orphanet 91387, MedGen C4707243, MONDO:0019625.

Allele frequency attached by ClinVar (database versions not stated): gnomAD exomes 0.00175 and 0.00504; ExAC 0.00637; gnomAD 0.01919 and 0.02057; 1000 Genomes Project 0.02117; ESP Exome Variant Server 0.02299; TOPMed 0.02201; 1000 Genomes Project 30x 0.02327.
gnomAD v4.1: 5,567 of 1,609,342 alleles (0.35%); highest among the groups gnomAD compares: African/African-American, 6.7%; 171 homozygotes.

Submissions (10):

Labcorp Genetics (formerly Invitae), Labcorp
Classification: Benign for Aortic aneurysm, familial thoracic 8. Last evaluated: 2026-02-04. Review status: criteria provided, single submitter. Criteria: Invitae Variant Classification Sherloc (09022015). Collection method: clinical testing. Allele origin: germline.

Molecular Diagnostic Laboratory for Inherited Cardiovascular Disease, Montreal Heart Institute
Classification: Benign. Last evaluated: 2025-04-09. Review status: criteria provided, single submitter. Criteria: ACMG Guidelines, 2015. Collection method: clinical testing. Allele origin: germline. Affected: no.

ARUP Laboratories, Molecular Genetics and Genomics, ARUP Laboratories
Classification: Benign for Aortic aneurysm, familial thoracic 8. Last evaluated: 2024-05-19. Review status: criteria provided, single submitter. Criteria: ARUP Molecular Germline Variant Investigation Process 2024. Collection method: clinical testing. Allele origin: germline.

Women's Health and Genetics/Laboratory Corporation of America, LabCorp
Classification: Benign. Last evaluated: 2023-07-21. Review status: criteria provided, single submitter. Criteria: LabCorp Variant Classification Summary - May 2015. Collection method: clinical testing. Allele origin: germline.

Mayo Clinic Laboratories, Mayo Clinic
Classification: Benign. Last evaluated: 2018-07-05. Review status: criteria provided, single submitter. Criteria: ACMG Guidelines, 2015. Collection method: clinical testing. Allele origin: germline. Observed: 13 variant alleles.

GeneDx
Classification: Benign. Last evaluated: 2016-11-23. Review status: criteria provided, single submitter. Criteria: GeneDx Variant Classification (06012015). Collection method: clinical testing. Allele origin: germline. Affected: yes.
Comment: This variant is considered likely benign or benign based on one or more of the following criteria: it is a conservative change, it occurs at a poorly conserved position in the protein, it is predicted to be benign by multiple in silico algorithms, and/or has population frequency not consistent with disease.

Ambry Genetics
Classification: Benign for Familial thoracic aortic aneurysm and aortic dissection. Last evaluated: 2015-02-03. Review status: criteria provided, single submitter. Criteria: Ambry Variant Classification Scheme 2023. Collection method: clinical testing. Allele origin: germline.

Breakthrough Genomics
Classification: Benign. Review status: criteria provided, single submitter. Criteria: ACMG Guidelines, 2015. Collection method: not provided. Allele origin: germline. Inheritance: Autosomal dominant inheritance. Affected: yes.

Genome Diagnostics Laboratory, Amsterdam University Medical Center
Classification: Benign. Review status: no assertion criteria provided. Collection method: clinical testing. Allele origin: germline. Affected: yes. Study: VKGL Data-share Consensus. Not counted in ClinVar's aggregate classification.

Joint Genome Diagnostic Labs from Nijmegen and Maastricht, Radboudumc and MUMC+
Classification: Benign. Review status: no assertion criteria provided. Collection method: clinical testing. Allele origin: germline. Affected: yes. Study: VKGL Data-share Consensus. Not counted in ClinVar's aggregate classification.